The following is an entry in ClinVar:

ClinVar aggregate classification (germline): Likely pathogenic (1 of 4 stars; one submission).

Conditions:
Charcot-Marie-Tooth disease type 4. Also called: Charcot-Marie-Tooth disease, type IV; Charcot-Marie-Tooth, Type 4. Identifiers: Orphanet 64749, MedGen C4082197, MONDO:0018995.

Allele frequency attached by ClinVar (database versions not stated): gnomAD exomes below 0.00001; gnomAD 0.00001; TOPMed 0.00001.
gnomAD v4.1: 3 of 1,613,876 alleles (0.00019%); highest among the groups gnomAD compares: Non-Finnish European, 0.00025%; no homozygotes.

Submission:

Labcorp Genetics (formerly Invitae), Labcorp
Classification: Likely pathogenic for Charcot-Marie-Tooth disease type 4. Last evaluated: 2023-06-02. Review status: criteria provided, single submitter. Criteria: Invitae Variant Classification Sherloc (09022015). Collection method: clinical testing. Allele origin: germline.
Comment: This variant has not been reported in the literature in individuals affected with SH3TC2-related conditions. In summary, the currently available evidence indicates that the variant is pathogenic, but additional data are needed to prove that conclusively. Therefore, this variant has been classified as Likely Pathogenic. Algorithms developed to predict the effect of sequence changes on RNA splicing suggest that this variant may disrupt the consensus splice site. ClinVar contains an entry for this variant (Variation ID: 1065985). This variant is present in population databases (no rsID available, gnomAD 0.007%). This sequence change affects an acceptor splice site in intron 7 of the SH3TC2 gene. It is expected to disrupt RNA splicing. Variants that disrupt the donor or acceptor splice site typically lead to a loss of protein function (PMID: 16199547), and loss-of-function variants in SH3TC2 are known to be pathogenic (PMID: 20220177, 27068304).

Literature cited by the submitters: PubMed 16199547; PubMed 20220177; PubMed 27068304.

NM_024577.4(SH3TC2):c.806-2A>G

Gene: SH3TC2 (SH3 domain and tetratricopeptide repeats 2; minus strand). Cytogenetic location: 5q32.
Variant type: single nucleotide variant.
Coding change: c.806-2A>G on transcript NM_024577.4 (MANE Select); the canonical splice acceptor site of the intron before coding-DNA position 806, A replaced by G.
Molecular consequence: splice acceptor variant.
Genome position (GRCh38, 1-based): chr5:149,038,492, T>C on the plus strand (A>G on the coding strand, the complement: SH3TC2 is on the minus strand). VCF-style: chr5-149038492-T-C. GRCh37 (hg19) VCF-style: chr5-148418055-T-C.
Identifiers: ClinVar variation 1065985 (VCV001065985.9), dbSNP rs1041389207, ClinGen allele CA128995066.